The following is an entry in ClinVar:

ClinVar aggregate classification (germline): Likely pathogenic (1 of 4 stars; one submission).

Conditions:
Autosomal recessive nonsyndromic hearing loss 2. Also called: NEUROSENSORY NONSYNDROMIC RECESSIVE DEAFNESS 2; DEAFNESS, AUTOSOMAL RECESSIVE 2. Identifiers: Orphanet 90636, MedGen C1838701, MONDO:0010807, OMIM 600060.

Submission:

Institute of Rare Diseases, West China Hospital, Sichuan University
Classification: Likely pathogenic for Autosomal recessive nonsyndromic hearing loss 2. Last evaluated: 2025-01-09. Review status: criteria provided, single submitter. Criteria: ClinGen HL ACMG Specifications v1. Collection method: research. Allele origin: germline. Affected: yes.
Comment: PVS1;PM2_Supporting

NM_000260.4(MYO7A):c.674del (p.Gly225fs)

Gene: MYO7A (myosin VIIA; plus strand). Cytogenetic location: 11q13.5.
Variant type: Deletion.
Coding change: c.674del on transcript NM_000260.4 (MANE Select); coding-DNA position 674, one base deleted (G; older notation c.674delG).
Protein change: p.Gly225fs; shifts the reading frame from glycine 225.
Molecular consequence: frameshift variant.
Genome position (GRCh38, 1-based): chr11:77,156,943, G deleted; the last of 4 consecutive G bases (chr11:77,156,940-77,156,943); deleting any one gives the same sequence. VCF-style (leftmost placement, unchanged base first): chr11-77156939-CG-C. GRCh37 (hg19) VCF-style: chr11-76867985-CG-C.
Other names: c.674del, p.Gly225fs (NM_001127180.2); c.641del, p.Gly214fs (NM_001369365.1); short protein forms G214fs, G225fs.
Identifiers: ClinVar variation 3601445 (VCV003601445.1).